The following is an entry in ClinVar:

NM_001267727.2(ARSG):c.1506T>C (p.Asp502=)

Genes: ARSG (arylsulfatase G; plus strand), PRKAR1A (protein kinase cAMP-dependent type I regulatory subunit alpha; plus strand). Cytogenetic location: 17q24.2.
Variant type: single nucleotide variant.
Coding change: c.1506T>C on transcript NM_001267727.2 (MANE Select); coding-DNA position 1506, T replaced by C.
Protein change: p.Asp502=; no amino-acid change (aspartic acid 502 retained).
Molecular consequence: synonymous variant. On other transcripts: intron variant (3).
Genome position (GRCh38, 1-based): chr17:68,420,391, T>C. VCF-style: chr17-68420391-T-C. GRCh37 (hg19) VCF-style: chr17-66416532-T-C.
Other names: c.1506T>C, p.Asp502= (NM_001352899.2, NM_001352900.2, NM_001352901.2 and 2 more transcripts); c.1503T>C, p.Asp501= (NM_001352903.2, NM_001352904.2, NM_001352905.2 and 2 more transcripts); c.1303+18941T>C (NM_001352910.2); c.1255+18941T>C (NM_001352909.2); c.-7+6596T>C (NM_001278433.2).
Identifiers: ClinVar variation 1107275 (VCV001107275.14), dbSNP rs148547053, ClinGen allele CA8728600.

ClinVar aggregate classification (germline): Likely benign. Review status: criteria provided, multiple submitters, no conflicts (2 of 4 stars). 3 submissions from 3 submitters: Likely benign (3). Last evaluated 2026-02-01.

Allele frequency attached by ClinVar (database versions not stated): ESP Exome Variant Server 0.00038; gnomAD 0.00013 and 0.00011; TOPMed 0.00012; gnomAD exomes 0.00016 and 0.00015; ExAC 0.00016.
gnomAD v4.1: 252 of 1,614,004 alleles (0.016%); highest among the groups gnomAD compares: Non-Finnish European, 0.02%; no homozygotes.

Submissions (3):

CeGaT Center for Human Genetics Tuebingen
Classification: Likely benign. Last evaluated: 2026-02-01. Review status: criteria provided, single submitter. Criteria: CeGaT Center For Human Genetics Tuebingen Variant Classification Criteria Version 2. Collection method: clinical testing. Allele origin: germline. Affected: yes. Observed: 1 variant allele.
Comment: ARSG: BP4, BP7

Labcorp Genetics (formerly Invitae), Labcorp
Classification: Likely benign. Last evaluated: 2026-01-27. Review status: criteria provided, single submitter. Criteria: Invitae Variant Classification Sherloc (09022015). Collection method: clinical testing. Allele origin: germline.

Blueprint Genetics
Classification: Likely benign. Last evaluated: 2024-06-14. Review status: criteria provided, single submitter. Criteria: ACMG Guidelines, 2015. Collection method: clinical testing. Allele origin: germline.